The following is an entry in ClinVar:

ClinVar aggregate classification (germline): Likely benign. Review status: criteria provided, multiple submitters, no conflicts (2 of 4 stars). 2 submissions from 2 submitters: Likely benign (2). Last evaluated 2025-05-12.

Conditions:
Early-infantile DEE. Also called: Early infantile epileptic encephalopathy with suppression bursts; Ohtahara syndrome; Early infantile epileptic encephalopathy. Identifiers: Orphanet 1934, MedGen C0393706, MONDO:0800491.

Allele frequency attached by ClinVar (database versions not stated): TOPMed 0.00002.
gnomAD v4.1: 70 of 1,612,696 alleles (0.0043%); highest among the groups gnomAD compares: Non-Finnish European, 0.0057%; no homozygotes.

Submissions (2):

Labcorp Genetics (formerly Invitae), Labcorp
Classification: Likely benign for Early-infantile DEE. Last evaluated: 2025-05-12. Review status: criteria provided, single submitter. Criteria: Invitae Variant Classification Sherloc (09022015). Collection method: clinical testing. Allele origin: germline.

GeneDx
Classification: Likely benign. Last evaluated: 2017-04-06. Review status: criteria provided, single submitter. Criteria: GeneDx Variant Classification (06012015). Collection method: clinical testing. Allele origin: germline. Affected: yes.
Comment: This variant is considered likely benign or benign based on one or more of the following criteria: it is a conservative change, it occurs at a poorly conserved position in the protein, it is predicted to be benign by multiple in silico algorithms, and/or has population frequency not consistent with disease.

NM_001165963.4(SCN1A):c.3480C>A (p.Gly1160=)

Genes: SCN1A (sodium voltage-gated channel alpha subunit 1; minus strand), LOC102724058 (uncharacterized LOC102724058; plus strand). Cytogenetic location: 2q24.3.
Variant type: single nucleotide variant.
Coding change: c.3480C>A on transcript NM_001165963.4 (MANE Select); coding-DNA position 3480, C replaced by A.
Protein change: p.Gly1160=; no amino-acid change (glycine 1160 retained).
Molecular consequence: synonymous variant. On other transcripts: non-coding transcript variant (2).
Genome position (GRCh38, 1-based): chr2:166,015,677, G>T on the plus strand (C>A on the coding strand, the complement: SCN1A is on the minus strand). VCF-style: chr2-166015677-G-T. GRCh37 (hg19) VCF-style: chr2-166872187-G-T.
Other names: c.3396C>A, p.Gly1132= (NM_001165964.3, NM_001353957.2, NM_001353958.2); c.3480C>A, p.Gly1160= (NM_001202435.3, NM_001353948.2); c.3447C>A, p.Gly1149= (NM_001353949.2, NM_001353950.2, NM_001353951.2 and 2 more transcripts); c.3444C>A, p.Gly1148= (NM_001353954.2, NM_001353955.2); c.3393C>A, p.Gly1131= (NM_001353960.2); c.1038C>A, p.Gly346= (NM_001353961.2).
Identifiers: ClinVar variation 388170 (VCV000388170.11), dbSNP rs369594817, ClinGen allele CA16603935.